The following is an entry in ClinVar:

ClinVar aggregate classification (germline): Conflicting classifications of pathogenicity. Review status: criteria provided, conflicting classifications (1 of 4 stars). 3 submissions from 3 submitters: Uncertain significance (1); Likely benign (1). 1 of the submissions does not count toward it. Last evaluated 2024-12-14.

Conditions:
AHDC1-related disorder. Also called: AHDC1-related condition.
Inborn genetic diseases. Identifiers: MedGen C0950123, MeSH D030342.

Allele frequency attached by ClinVar (database versions not stated): ESP Exome Variant Server 0.00024.
gnomAD v4.1: 130 of 1,596,688 alleles (0.0081%); highest among the groups gnomAD compares: Non-Finnish European, 0.0097%; no homozygotes.

Submissions (3):

Ambry Genetics
Classification: Likely benign for Inborn genetic diseases. Last evaluated: 2024-12-14. Review status: criteria provided, single submitter. Criteria: Ambry Variant Classification Scheme 2023. Collection method: clinical testing. Allele origin: germline.

Labcorp Genetics (formerly Invitae), Labcorp
Classification: Uncertain significance. Last evaluated: 2022-07-23. Review status: criteria provided, single submitter. Criteria: Invitae Variant Classification Sherloc (09022015). Collection method: clinical testing. Allele origin: germline.
Comment: This variant has not been reported in the literature in individuals affected with AHDC1-related conditions. This variant is present in population databases (rs199509734, gnomAD 0.008%). This sequence change replaces arginine, which is basic and polar, with serine, which is neutral and polar, at codon 386 of the AHDC1 protein (p.Arg386Ser). Algorithms developed to predict the effect of missense changes on protein structure and function are either unavailable or do not agree on the potential impact of this missense change (SIFT: "Deleterious"; PolyPhen-2: "Possibly Damaging"; Align-GVGD: "Class C0"). In summary, the available evidence is currently insufficient to determine the role of this variant in disease. Therefore, it has been classified as a Variant of Uncertain Significance.

PreventionGenetics, part of Exact Sciences
Classification: Uncertain significance for AHDC1-related condition. Last evaluated: 2024-06-06. Review status: no assertion criteria provided. Collection method: clinical testing. Allele origin: germline. Not counted in ClinVar's aggregate classification.
Comment: The AHDC1 c.1156C>A variant is predicted to result in the amino acid substitution p.Arg386Ser. To our knowledge, this variant has not been reported in the literature. This variant is reported in 0.0097% of alleles in individuals of European (Non-Finnish) descent in gnomAD. At this time, the clinical significance of this variant is uncertain due to the absence of conclusive functional and genetic evidence.

NM_001371928.1(AHDC1):c.1156C>A (p.Arg386Ser)

Gene: AHDC1 (AT-hook DNA binding motif containing 1; minus strand). Cytogenetic location: 1p36.11.
Variant type: single nucleotide variant.
Coding change: c.1156C>A on transcript NM_001371928.1 (MANE Select); coding-DNA position 1156, C replaced by A.
Protein change: p.Arg386Ser; replaces arginine 386 with serine.
Molecular consequence: missense variant.
Genome position (GRCh38, 1-based): chr1:27,550,960, G>T on the plus strand (C>A on the coding strand, the complement: AHDC1 is on the minus strand). VCF-style: chr1-27550960-G-T. GRCh37 (hg19) VCF-style: chr1-27877471-G-T.
Other names: c.1156C>A, p.Arg386Ser (NM_001029882.3); c.1156C>A (NM_001029882.2); short protein forms R386S.
Identifiers: ClinVar variation 2085066 (VCV002085066.5), dbSNP rs199509734, ClinGen allele CA716006.